The following is an entry in ClinVar:

NM_001110556.2(FLNA):c.6204dup (p.Ile2069fs)

Gene: FLNA (filamin A; minus strand). Cytogenetic location: Xq28.
Variant type: Duplication.
Coding change: c.6204dup on transcript NM_001110556.2 (MANE Select); coding-DNA position 6204, one base duplicated (T; older notation c.6204dupT).
Protein change: p.Ile2069fs; shifts the reading frame from isoleucine 2069.
Molecular consequence: frameshift variant.
Genome position (GRCh38, 1-based): chrX:154,353,023, A duplicated on the plus strand (T on the coding strand, the reverse complement: FLNA is on the minus strand); the first of 3 consecutive A bases (chrX:154,353,023-154,353,025); duplicating any one gives the same sequence. VCF-style (leftmost placement, unchanged base first): chrX-154353022-T-TA. GRCh37 (hg19) VCF-style: chrX-153581390-T-TA.
Other names: c.6180dup, p.Ile2061fs (NM_001456.4); short protein forms I2061fs, I2069fs.
Identifiers: ClinVar variation 3757363 (VCV003757363.2).

ClinVar aggregate classification (germline): Pathogenic (1 of 4 stars; one submission).

Conditions:
Melnick-Needles syndrome (MNS). Also called: MELNICK-NEEDLES OSTEODYSPLASTY; OSTEODYSPLASTY OF MELNICK AND NEEDLES; Melnick-Needles Syndrome (FLNA-MNS). Identifiers: Orphanet 2484, MedGen C0025237, MONDO:0010650, OMIM 309350.
Frontometaphyseal dysplasia (FMD1). Identifiers: Orphanet 1826, MedGen C0265293, MONDO:0015942.
Heterotopia, periventricular, X-linked dominant (PVNH1). Also called: PERIVENTRICULAR NODULAR HETEROTOPIA 1; X-linked periventricular heterotopia; PERIVENTRICULAR NODULAR HETEROTOPIA 4; HETEROTOPIA, PERIVENTRICULAR, 1. Identifiers: Orphanet 2149, Orphanet 82004, MedGen C1848213, MONDO:0010233, OMIM 300049.
Oto-palato-digital syndrome, type II (OPD2). Also called: FACIOPALATOOSSEOUS SYNDROME; OPD II SYNDROME; Otopalatodigital Syndrome, Type II; Otopalatodigital Syndrome Type 2 (FLNA-OPD2). Identifiers: Orphanet 669, Orphanet 90652, MedGen C1844696, MONDO:0010571, OMIM 304120.

Submission:

Labcorp Genetics (formerly Invitae), Labcorp
Classification: Pathogenic for Oto-palato-digital syndrome, type II; Heterotopia, periventricular, X-linked dominant; Frontometaphyseal dysplasia; Melnick-Needles syndrome. Last evaluated: 2024-07-23. Review status: criteria provided, single submitter. Criteria: Invitae Variant Classification Sherloc (09022015). Collection method: clinical testing. Allele origin: germline.
Comment: This sequence change creates a premature translational stop signal (p.Ile2061Tyrfs*3) in the FLNA gene. It is expected to result in an absent or disrupted protein product. Loss-of-function variants in FLNA are known to be pathogenic (PMID: 16684786, 20730588, 26471271). This variant is not present in population databases (gnomAD no frequency). This variant has not been reported in the literature in individuals affected with FLNA-related conditions. For these reasons, this variant has been classified as Pathogenic.

Literature cited by the submitters: PubMed 16684786; PubMed 20730588; PubMed 26471271.